The following is an entry in ClinVar:

NM_014844.5(TECPR2):c.4089G>A (p.Ala1363=)

Gene: TECPR2 (tectonin beta-propeller repeat containing 2; plus strand). Cytogenetic location: 14q32.31.
Variant type: single nucleotide variant.
Coding change: c.4089G>A on transcript NM_014844.5 (MANE Select); coding-DNA position 4089, G replaced by A.
Protein change: p.Ala1363=; no amino-acid change (alanine 1363 retained).
Molecular consequence: synonymous variant.
Genome position (GRCh38, 1-based): chr14:102,498,110, G>A. VCF-style: chr14-102498110-G-A. GRCh37 (hg19) VCF-style: chr14-102964447-G-A.
Other names: p.Ala1363=.
Identifiers: ClinVar variation 385226 (VCV000385226.86), dbSNP rs139314486, ClinGen allele CA7358471.

ClinVar aggregate classification (germline): Benign/Likely benign. Review status: criteria provided, multiple submitters, no conflicts (2 of 4 stars). 7 submissions from 7 submitters: Benign (1); Likely benign (5). 1 of the submissions does not count toward it. Last evaluated 2026-01-31.

Conditions:
TECPR2-related disorder. Also called: TECPR2-related condition.
Hereditary spastic paraplegia 49 (HSAN9). Also called: NEUROPATHY, HEREDITARY SENSORY AND AUTONOMIC, TYPE IX, WITH DEVELOPMENTAL DELAY; Spastic paraplegia 49, autosomal recessive; TECPR2-Related Hereditary Sensory and Autonomic Neuropathy with Intellectual Disability. Identifiers: Orphanet 320385, MedGen C5190860, MONDO:0014016, OMIM 615031.
Hereditary spastic paraplegia. Also called: Familial spastic paraparesis. Identifiers: Orphanet 685, MedGen C0037773, MONDO:0019064. Disease mechanism: loss of function.

Allele frequency attached by ClinVar (database versions not stated): 1000 Genomes Project 0.00060; 1000 Genomes Project 30x 0.00062; gnomAD 0.00133 and 0.00134; TOPMed 0.00138; gnomAD exomes 0.00152 and 0.00208; ExAC 0.00174; ESP Exome Variant Server 0.00223.
gnomAD v4.1: 3,210 of 1,613,388 alleles (0.2%); highest among the groups gnomAD compares: Non-Finnish European, 0.24%; 9 homozygotes.

Submissions (7):

Labcorp Genetics (formerly Invitae), Labcorp
Classification: Benign for Hereditary spastic paraplegia 49. Last evaluated: 2026-01-31. Review status: criteria provided, single submitter. Criteria: Invitae Variant Classification Sherloc (09022015). Collection method: clinical testing. Allele origin: germline.

Mayo Clinic Laboratories, Mayo Clinic
Classification: Likely benign. Last evaluated: 2025-09-04. Review status: criteria provided, single submitter. Criteria: ACMG Guidelines, 2015. Collection method: clinical testing. Allele origin: germline. Observed: 5 variant alleles.
Comment: BS1, BP4, BP7

CeGaT Center for Human Genetics Tuebingen
Classification: Likely benign. Last evaluated: 2025-09-01. Review status: criteria provided, single submitter. Criteria: CeGaT Center For Human Genetics Tuebingen Variant Classification Criteria Version 2. Collection method: clinical testing. Allele origin: germline. Affected: yes. Observed: 12 variant alleles.
Comment: TECPR2: BP4, BP7

Blueprint Genetics
Classification: Likely benign. Last evaluated: 2024-10-14. Review status: criteria provided, single submitter. Criteria: ACMG Guidelines, 2015. Collection method: clinical testing. Allele origin: germline.

GeneDx
Classification: Likely benign. Last evaluated: 2020-10-23. Review status: criteria provided, single submitter. Criteria: GeneDx Variant Classification Process June 2021. Collection method: clinical testing. Allele origin: germline. Affected: yes.

Genome Diagnostics Laboratory, The Hospital for Sick Children
Classification: Likely benign for Hereditary spastic paraplegia. Last evaluated: 2018-03-01. Review status: criteria provided, single submitter. Criteria: ACMG Guidelines, 2015. Collection method: clinical testing. Allele origin: germline. Affected: yes.

PreventionGenetics, part of Exact Sciences
Classification: Likely benign for TECPR2-related condition. Last evaluated: 2019-09-10. Review status: no assertion criteria provided. Collection method: clinical testing. Allele origin: germline. Not counted in ClinVar's aggregate classification.
Comment: This variant is classified as likely benign based on ACMG/AMP sequence variant interpretation guidelines (Richards et al. 2015 PMID: 25741868, with internal and published modifications).